The following is an entry in ClinVar:

NM_018685.5(ANLN):c.2971-12T>G

Gene: ANLN (anillin, actin binding protein; plus strand). Cytogenetic location: 7p14.2.
Variant type: single nucleotide variant.
Coding change: c.2971-12T>G on transcript NM_018685.5 (MANE Select); 12 bases into the intron before coding-DNA position 2971, T replaced by G.
Molecular consequence: intron variant.
Genome position (GRCh38, 1-based): chr7:36,443,743, T>G. VCF-style: chr7-36443743-T-G. GRCh37 (hg19) VCF-style: chr7-36483352-T-G.
Other names: c.2860-12T>G (NM_001284301.3); c.2857-12T>G (NM_001284302.3).
Identifiers: ClinVar variation 1168523 (VCV001168523.20), dbSNP rs6954957, ClinGen allele CA4220060.
Genomic context (GRCh38, chr7:36,443,743, plus strand): 5'-CAGAATCAGCATTTCATTGTTAGGACATTTTCCTCAACTTTCTAAAGCCAGCATTTCAAC[T>G]GACTTTTCCAGACCATATTTGAAGATGTTAGTGGTTTTGGTGCCTGGCATCGAAGATGGT-3'

ClinVar aggregate classification (germline): Benign/Likely benign. Review status: criteria provided, multiple submitters, no conflicts (2 of 4 stars). 4 submissions from 4 submitters: Benign (2); Likely benign (2). Last evaluated 2026-07-01.

Conditions:
Focal segmental glomerulosclerosis 8 (FSGS8). Identifiers: Orphanet 656, MedGen C4014993, MONDO:0014462, OMIM 616032.

Allele frequency attached by ClinVar (database versions not stated): 1000 Genomes Project 30x 0.00547; 1000 Genomes Project 0.00659; TOPMed 0.00851; gnomAD 0.01028 and 0.01045; ESP Exome Variant Server 0.01053; gnomAD exomes 0.01216; ExAC 0.02013.
gnomAD v4.1: 20,213 of 1,595,308 alleles (1.3%); highest among the groups gnomAD compares: Middle Eastern, 3.2%; 150 homozygotes.

Submissions (36):

CeGaT Center for Human Genetics Tuebingen
Classification: Benign. Last evaluated: 2026-07-01. Review status: criteria provided, single submitter. Criteria: CeGaT Center For Human Genetics Tuebingen Variant Classification Criteria Version 2. Collection method: clinical testing. Allele origin: germline. Affected: yes. Observed: 4 variant alleles.
Comment: ANLN: PP3, BS1, BS2

Labcorp Genetics (formerly Invitae), Labcorp
Classification: Benign. Last evaluated: 2026-02-01. Review status: criteria provided, single submitter. Criteria: Invitae Variant Classification Sherloc (09022015). Collection method: clinical testing. Allele origin: germline.

Blueprint Genetics
Classification: Likely benign. Last evaluated: 2024-11-27. Review status: criteria provided, single submitter. Criteria: ACMG Guidelines, 2015. Collection method: clinical testing. Allele origin: germline.

Fulgent Genetics
Classification: Likely benign for Focal segmental glomerulosclerosis 8. Last evaluated: 2022-04-25. Review status: criteria provided, single submitter. Criteria: ACMG Guidelines, 2015. Collection method: clinical testing. Allele origin: unknown.

Dr. Peter K. Rogan Lab, Western University
No classification provided (evidence only). Condition: Lung cancer. Review status: no classification provided. Collection method: in vitro. Allele origin: not applicable. Functional consequence: retained intron. Not counted in ClinVar's aggregate classification.

Dr. Peter K. Rogan Lab, Western University
No classification provided (evidence only). Condition: Lung cancer. Review status: no classification provided. Collection method: in vitro. Allele origin: not applicable. Functional consequence: skipped exon, retained intron. Not counted in ClinVar's aggregate classification.

Dr. Peter K. Rogan Lab, Western University
No classification provided (evidence only). Condition: Lung cancer. Review status: no classification provided. Collection method: in vitro. Allele origin: not applicable. Functional consequence: retained intron. Not counted in ClinVar's aggregate classification.

Dr. Peter K. Rogan Lab, Western University
No classification provided (evidence only). Condition: Acute myeloid leukemia. Review status: no classification provided. Collection method: in vitro. Allele origin: not applicable. Functional consequence: retained intron. Not counted in ClinVar's aggregate classification.

Dr. Peter K. Rogan Lab, Western University
No classification provided (evidence only). Condition: Acute myeloid leukemia. Review status: no classification provided. Collection method: in vitro. Allele origin: not applicable. Functional consequence: retained intron. Not counted in ClinVar's aggregate classification.

Dr. Peter K. Rogan Lab, Western University
No classification provided (evidence only). Condition: Acute myeloid leukemia. Review status: no classification provided. Collection method: in vitro. Allele origin: not applicable. Functional consequence: retained intron. Not counted in ClinVar's aggregate classification.

Dr. Peter K. Rogan Lab, Western University
No classification provided (evidence only). Condition: Acute myeloid leukemia. Review status: no classification provided. Collection method: in vitro. Allele origin: not applicable. Functional consequence: retained intron. Not counted in ClinVar's aggregate classification.

Dr. Peter K. Rogan Lab, Western University
No classification provided (evidence only). Condition: Uterine corpus endometrial carcinoma. Review status: no classification provided. Collection method: in vitro. Allele origin: not applicable. Functional consequence: retained intron. Not counted in ClinVar's aggregate classification.

Dr. Peter K. Rogan Lab, Western University
No classification provided (evidence only). Condition: Uterine corpus endometrial carcinoma. Review status: no classification provided. Collection method: in vitro. Allele origin: not applicable. Functional consequence: skipped exon, retained intron. Not counted in ClinVar's aggregate classification.

Dr. Peter K. Rogan Lab, Western University
No classification provided (evidence only). Condition: Cervical cancer. Review status: no classification provided. Collection method: in vitro. Allele origin: not applicable. Functional consequence: skipped exon. Not counted in ClinVar's aggregate classification.

Dr. Peter K. Rogan Lab, Western University
No classification provided (evidence only). Condition: Cervical cancer. Review status: no classification provided. Collection method: in vitro. Allele origin: not applicable. Functional consequence: skipped exon, retained intron. Not counted in ClinVar's aggregate classification.

Dr. Peter K. Rogan Lab, Western University
No classification provided (evidence only). Condition: Cervical cancer. Review status: no classification provided. Collection method: in vitro. Allele origin: not applicable. Functional consequence: skipped exon. Not counted in ClinVar's aggregate classification.

Dr. Peter K. Rogan Lab, Western University
No classification provided (evidence only). Condition: Cervical cancer. Review status: no classification provided. Collection method: in vitro. Allele origin: not applicable. Functional consequence: retained intron. Not counted in ClinVar's aggregate classification.

Dr. Peter K. Rogan Lab, Western University
No classification provided (evidence only). Condition: Cervical cancer. Review status: no classification provided. Collection method: in vitro. Allele origin: not applicable. Functional consequence: retained intron. Not counted in ClinVar's aggregate classification.

Dr. Peter K. Rogan Lab, Western University
No classification provided (evidence only). Condition: Cervical cancer. Review status: no classification provided. Collection method: in vitro. Allele origin: not applicable. Functional consequence: retained intron. Not counted in ClinVar's aggregate classification.

Dr. Peter K. Rogan Lab, Western University
No classification provided (evidence only). Condition: Sarcoma. Review status: no classification provided. Collection method: in vitro. Allele origin: not applicable. Functional consequence: retained intron. Not counted in ClinVar's aggregate classification.

Dr. Peter K. Rogan Lab, Western University
No classification provided (evidence only). Condition: Malignant lymphoma, large B-cell, diffuse. Review status: no classification provided. Collection method: in vitro. Allele origin: not applicable. Functional consequence: retained intron. Not counted in ClinVar's aggregate classification.

Dr. Peter K. Rogan Lab, Western University
No classification provided (evidence only). Condition: Thymoma. Review status: no classification provided. Collection method: in vitro. Allele origin: not applicable. Functional consequence: retained intron. Not counted in ClinVar's aggregate classification.

Dr. Peter K. Rogan Lab, Western University
No classification provided (evidence only). Condition: Ovarian serous cystadenocarcinoma. Review status: no classification provided. Collection method: in vitro. Allele origin: not applicable. Functional consequence: retained intron. Not counted in ClinVar's aggregate classification.

Dr. Peter K. Rogan Lab, Western University
No classification provided (evidence only). Condition: Ovarian serous cystadenocarcinoma. Review status: no classification provided. Collection method: in vitro. Allele origin: not applicable. Functional consequence: retained intron. Not counted in ClinVar's aggregate classification.

Dr. Peter K. Rogan Lab, Western University
No classification provided (evidence only). Condition: Ovarian serous cystadenocarcinoma. Review status: no classification provided. Collection method: in vitro. Allele origin: not applicable. Functional consequence: retained intron. Not counted in ClinVar's aggregate classification.

Dr. Peter K. Rogan Lab, Western University
No classification provided (evidence only). Condition: Ovarian serous cystadenocarcinoma. Review status: no classification provided. Collection method: in vitro. Allele origin: not applicable. Functional consequence: retained intron. Not counted in ClinVar's aggregate classification.

Dr. Peter K. Rogan Lab, Western University
No classification provided (evidence only). Condition: Ovarian serous cystadenocarcinoma. Review status: no classification provided. Collection method: in vitro. Allele origin: not applicable. Functional consequence: retained intron. Not counted in ClinVar's aggregate classification.

Dr. Peter K. Rogan Lab, Western University
No classification provided (evidence only). Condition: Gastric cancer. Review status: no classification provided. Collection method: in vitro. Allele origin: not applicable. Functional consequence: retained intron. Not counted in ClinVar's aggregate classification.

Dr. Peter K. Rogan Lab, Western University
No classification provided (evidence only). Condition: Gastric cancer. Review status: no classification provided. Collection method: in vitro. Allele origin: not applicable. Functional consequence: retained intron. Not counted in ClinVar's aggregate classification.

Dr. Peter K. Rogan Lab, Western University
No classification provided (evidence only). Condition: Gastric cancer. Review status: no classification provided. Collection method: in vitro. Allele origin: not applicable. Functional consequence: retained intron. Not counted in ClinVar's aggregate classification.

Dr. Peter K. Rogan Lab, Western University
No classification provided (evidence only). Condition: Gastric cancer. Review status: no classification provided. Collection method: in vitro. Allele origin: not applicable. Functional consequence: retained intron. Not counted in ClinVar's aggregate classification.

Dr. Peter K. Rogan Lab, Western University
No classification provided (evidence only). Condition: Uveal melanoma. Review status: no classification provided. Collection method: in vitro. Allele origin: not applicable. Functional consequence: retained intron. Not counted in ClinVar's aggregate classification.

Dr. Peter K. Rogan Lab, Western University
No classification provided (evidence only). Condition: Uveal melanoma. Review status: no classification provided. Collection method: in vitro. Allele origin: not applicable. Functional consequence: retained intron. Not counted in ClinVar's aggregate classification.

Dr. Peter K. Rogan Lab, Western University
No classification provided (evidence only). Condition: Malignant tumor of esophagus. Review status: no classification provided. Collection method: in vitro. Allele origin: not applicable. Functional consequence: retained intron. Not counted in ClinVar's aggregate classification.

Dr. Peter K. Rogan Lab, Western University
No classification provided (evidence only). Condition: Malignant tumor of esophagus. Review status: no classification provided. Collection method: in vitro. Allele origin: not applicable. Functional consequence: retained intron. Not counted in ClinVar's aggregate classification.

Dr. Peter K. Rogan Lab, Western University
No classification provided (evidence only). Condition: Ovarian cancer. Review status: no classification provided. Collection method: in vitro. Allele origin: not applicable. Functional consequence: skipped exon, retained intron. Not counted in ClinVar's aggregate classification.